The following is an entry in ClinVar:

NM_001323289.2(CDKL5):c.533_536dup (p.Pro180fs)

Gene: CDKL5 (cyclin dependent kinase like 5; plus strand). Cytogenetic location: Xp22.13.
Variant type: Duplication.
Coding change: c.533_536dup on transcript NM_001323289.2 (MANE Select); coding-DNA positions 533 to 536, 4 bases duplicated (GGTC; older notation c.533_536dupGGTC).
Protein change: p.Pro180fs; shifts the reading frame from proline 180.
Molecular consequence: frameshift variant.
Genome position (GRCh38, 1-based): chrX:18,584,332-18,584,335, GGTC duplicated; duplicating any 4 consecutive bases within chrX:18,584,330-18,584,335 gives the same sequence; the c. name uses the placement nearest the transcript's 3' end. VCF-style (leftmost placement, unchanged base first): chrX-18584329-A-ATCGG. GRCh37 (hg19) VCF-style: chrX-18602449-A-ATCGG.
Other names: c.533_536dup, p.Pro180fs (NM_001037343.2, NM_003159.3); short protein forms P180fs.
Identifiers: ClinVar variation 1709369 (VCV001709369.2), dbSNP rs2518853563, ClinGen allele CA2580100396.

ClinVar aggregate classification (germline): Likely pathogenic (1 of 4 stars; one submission).

Conditions:
Developmental and epileptic encephalopathy, 2 (DEE2). Also called: CDKL5 deficiency disorder; INFANTILE SPASM SYNDROME, X-LINKED 2. Identifiers: Orphanet 1934, Orphanet 3451, Orphanet 505652, MedGen C4750718, MONDO:0010396, OMIM 300672.

Submission:

MGZ Medical Genetics Center
Classification: Likely pathogenic for Developmental and epileptic encephalopathy, 2. Last evaluated: 2022-04-08. Review status: criteria provided, single submitter. Criteria: ACMG Guidelines, 2015. Collection method: clinical testing. Allele origin: germline. Affected: yes. Observed: 1 variant allele.
Comment: ACMG criteria applied: PS2, PVS1_MOD, PM2_SUP